The following is an entry in ClinVar:

ClinVar aggregate classification (germline): Pathogenic (3 of 4 stars; one submission).

Conditions:
Monogenic diabetes. Identifiers: Orphanet 183625, MedGen C3888631, MONDO:0015967.

Submission:

ClinGen Monogenic Diabetes Variant Curation Expert Panel
Classification: Pathogenic for Monogenic diabetes. Last evaluated: 2024-12-20. Review status: reviewed by expert panel. Criteria: ClinGen Diabetes ACMG Specifications HNF4A V2.0.0. Collection method: curation. Allele origin: germline. Inheritance: Autosomal dominant inheritance.
Comment: The c.1256C>G variant in the hepatocyte nuclear factor 4 alpha gene, HNF4A, results in a premature termination at codon 419 (p.(Ser419Ter)) of NM_175914.5. This variant is absent from gnomAD v2.1.1 (PM2_Supporting). This variant, located in biologically-relevant exon 10 of 10, is predicted to lead to nonsense mediated decay in a gene in which loss-of-function is an established disease mechanism (PVS1; PMID: 23348805). This variant was identified in an individual with a clinical history highly specific for HNF4A-MODY monogenic diabetes (MODY probability calculator result >50%, negative genetic testing for HNF1A, and response to low-dose SU (extreme response-hypoglycemia) ) (PP4_Moderate; PMID: 31096182). This variant was identified as a de novo occurrence with confirmed parental relationships in one individual with diabetes, but whose clinical picture is not highly specific for HNF4A-MODY (MODY probability calculator result >50% and negative genetic testing for HNF1A) (PS2_Moderate; PMID: 24323243). This variant was segregated with diabetes, with three informative meioses in one family (PP1; PMID:31096182). This variant was identified in two unrelated individuals with non-autoimmune and non-absolute/near-absolute insulin-deficient diabetes; however, PS4 cannot be applied because the variant MAF in gnomAD is above the ClinGen MDEP PM2_Supporting cutoff (PMID:24323243, 31096182). In summary, c.1256C>G meets the criteria to be classified as pathogenic for monogenic diabetes. ACMG/AMP criteria applied, as specified by the ClinGen MDEP (specification version 2.0.0, approved 10/11/2023): PVS1, PS2_moderate, PP4_moderate, PP1, PM2_supporting.

NM_175914.5(HNF4A):c.1256C>G (p.Ser419Ter)

Gene: HNF4A (hepatocyte nuclear factor 4 alpha; plus strand). Cytogenetic location: 20q13.12.
Variant type: single nucleotide variant.
Coding change: c.1256C>G on transcript NM_175914.5 (MANE Select); coding-DNA position 1256, C replaced by G.
Protein change: p.Ser419Ter; replaces serine 419 with a stop codon.
Molecular consequence: nonsense.
Genome position (GRCh38, 1-based): chr20:44,429,562, C>G. VCF-style: chr20-44429562-C-G. GRCh37 (hg19) VCF-style: chr20-43058202-C-G.
Other names: NM_175914.5:c.1256C>G; c.1322C>G, p.Ser441Ter (NM_000457.6); c.1226C>G, p.Ser409Ter (NM_001030003.3); c.1301C>G, p.Ser434Ter (NM_001258355.2); c.1217C>G, p.Ser406Ter (NM_001287182.2); c.1247C>G, p.Ser416Ter (NM_001287183.2); c.1292C>G, p.Ser431Ter (NM_178849.3); short protein forms S406*, S416*, S419*, S434*, S409*, S431*, S441*.
Identifiers: ClinVar variation 3393515 (VCV003393515.1).